The following is an entry in ClinVar:

ClinVar aggregate classification (germline): Uncertain significance (1 of 4 stars; one submission).

Conditions:
Atrial fibrillation, familial, 7 (ATFB7). Identifiers: MedGen C2677106, MONDO:0012828, OMIM 612240.

Submission:

Labcorp Genetics (formerly Invitae), Labcorp
Classification: Uncertain significance for Atrial fibrillation, familial, 7. Last evaluated: 2024-02-25. Review status: criteria provided, single submitter. Criteria: Invitae Variant Classification Sherloc (09022015). Collection method: clinical testing. Allele origin: germline.
Comment: This sequence change replaces proline, which is neutral and non-polar, with serine, which is neutral and polar, at codon 51 of the KCNA5 protein (p.Pro51Ser). This variant is present in population databases (no rsID available, gnomAD 0.01%). This variant has not been reported in the literature in individuals affected with KCNA5-related conditions. An algorithm developed to predict the effect of missense changes on protein structure and function (PolyPhen-2) suggests that this variant is likely to be tolerated. In summary, the available evidence is currently insufficient to determine the role of this variant in disease. Therefore, it has been classified as a Variant of Uncertain Significance.

NM_002234.4(KCNA5):c.151C>T (p.Pro51Ser)

Gene: KCNA5 (potassium voltage-gated channel subfamily A member 5; plus strand). Cytogenetic location: 12p13.32.
Variant type: single nucleotide variant.
Coding change: c.151C>T on transcript NM_002234.4 (MANE Select); coding-DNA position 151, C replaced by T.
Protein change: p.Pro51Ser; replaces proline 51 with serine.
Molecular consequence: missense variant.
Genome position (GRCh38, 1-based): chr12:5,044,298, C>T. VCF-style: chr12-5044298-C-T. GRCh37 (hg19) VCF-style: chr12-5153464-C-T.
Other names: short protein forms P51S.
Identifiers: ClinVar variation 3717994 (VCV003717994.2).